The following is an entry in ClinVar:

ClinVar aggregate classification (germline): Benign/Likely benign. Review status: criteria provided, multiple submitters, no conflicts (2 of 4 stars). 4 submissions from 4 submitters: Benign (1); Likely benign (2). 1 of the submissions does not count toward it. Last evaluated 2025-12-23.

Conditions:
Inborn genetic diseases. Identifiers: MedGen C0950123, MeSH D030342.
GNB4-related disorder. Also called: GNB4-related condition.
Charcot-Marie-Tooth disease dominant intermediate F. Identifiers: Orphanet 352670, MedGen C4749463, MONDO:0014074, OMIM 615185.

Submissions (4):

Labcorp Genetics (formerly Invitae), Labcorp
Classification: Likely benign for Charcot-Marie-Tooth disease dominant intermediate F. Last evaluated: 2025-12-23. Review status: criteria provided, single submitter. Criteria: Invitae Variant Classification Sherloc (09022015). Collection method: clinical testing. Allele origin: germline.

CeGaT Center for Human Genetics Tuebingen
Classification: Likely benign. Last evaluated: 2023-09-01. Review status: criteria provided, single submitter. Criteria: CeGaT Center For Human Genetics Tuebingen Variant Classification Criteria Version 2. Collection method: clinical testing. Allele origin: germline. Affected: yes. Observed: 1 variant allele.
Comment: GNB4: BP4, BS1

Ambry Genetics
Classification: Benign for Inborn genetic diseases. Last evaluated: 2021-10-27. Review status: criteria provided, single submitter. Criteria: Ambry Variant Classification Scheme 2023. Collection method: clinical testing. Allele origin: germline.

PreventionGenetics, part of Exact Sciences
Classification: Likely benign for GNB4-related condition. Last evaluated: 2019-07-12. Review status: no assertion criteria provided. Collection method: clinical testing. Allele origin: germline. Not counted in ClinVar's aggregate classification.
Comment: This variant is classified as likely benign based on ACMG/AMP sequence variant interpretation guidelines (Richards et al. 2015 PMID: 25741868, with internal and published modifications).

NM_021629.4(GNB4):c.917-12dup

Gene: GNB4 (G protein subunit beta 4; minus strand). Cytogenetic location: 3q26.33.
Variant type: Duplication.
Coding change: c.917-12dup on transcript NM_021629.4 (MANE Select); 12 bases into the intron before coding-DNA position 917, one base duplicated (T; older notation c.917-12dupT).
Molecular consequence: intron variant.
Genome position (GRCh38, 1-based): chr3:179,401,323, A duplicated on the plus strand (T on the coding strand, the reverse complement: GNB4 is on the minus strand); the first of 9 consecutive A bases (chr3:179,401,323-179,401,331); duplicating any one gives the same sequence. VCF-style (leftmost placement, unchanged base first): chr3-179401322-G-GA. GRCh37 (hg19) VCF-style: chr3-179119110-G-GA.
Identifiers: ClinVar variation 1161907 (VCV001161907.36), dbSNP rs764075662, ClinGen allele CA2712366.